The following is an entry in ClinVar:

ClinVar aggregate classification (germline): Likely benign. Review status: criteria provided, single submitter (1 of 4 stars). 2 submissions from 2 submitters: Likely benign (1). 1 of the submissions does not count toward it. Last evaluated 2026-01-25.

Conditions:
COL17A1-related disorder. Also called: COL17A1-related condition.

Allele frequency attached by ClinVar (database versions not stated): ExAC 0.00009; gnomAD 0.00002; gnomAD exomes 0.00003.
gnomAD v4.1: 44 of 1,613,190 alleles (0.0027%); highest among the groups gnomAD compares: South Asian, 0.042%; no homozygotes.

Submissions (2):

Labcorp Genetics (formerly Invitae), Labcorp
Classification: Likely benign. Last evaluated: 2026-01-25. Review status: criteria provided, single submitter. Criteria: Invitae Variant Classification Sherloc (09022015). Collection method: clinical testing. Allele origin: germline.

PreventionGenetics, part of Exact Sciences
Classification: Likely benign for COL17A1-related condition. Last evaluated: 2019-08-22. Review status: no assertion criteria provided. Collection method: clinical testing. Allele origin: germline. Not counted in ClinVar's aggregate classification.
Comment: This variant is classified as likely benign based on ACMG/AMP sequence variant interpretation guidelines (Richards et al. 2015 PMID: 25741868, with internal and published modifications).

NM_000494.4(COL17A1):c.180C>T (p.Gly60=)

Gene: COL17A1 (collagen type XVII alpha 1 chain; minus strand). Cytogenetic location: 10q25.1.
Variant type: single nucleotide variant.
Coding change: c.180C>T on transcript NM_000494.4 (MANE Select); coding-DNA position 180, C replaced by T.
Protein change: p.Gly60=; no amino-acid change (glycine 60 retained).
Molecular consequence: synonymous variant.
Genome position (GRCh38, 1-based): chr10:104,077,444, G>A on the plus strand (C>T on the coding strand, the complement: COL17A1 is on the minus strand). VCF-style: chr10-104077444-G-A. GRCh37 (hg19) VCF-style: chr10-105837202-G-A.
Other names: c.180C>T (NM_000494.3).
Identifiers: ClinVar variation 2979169 (VCV002979169.5), dbSNP rs760322792, ClinGen allele CA5679541.